The following is an entry in ClinVar:

NM_004187.5(KDM5C):c.*196G>A

Gene: KDM5C (lysine demethylase 5C; minus strand). Cytogenetic location: Xp11.22.
Variant type: single nucleotide variant.
Coding change: c.*196G>A on transcript NM_004187.5 (MANE Select); 196 bases downstream of the stop codon, G replaced by A.
Molecular consequence: 3 prime UTR variant. On other transcripts: synonymous variant (1), intron variant (4).
Genome position (GRCh38, 1-based): chrX:53,192,771, C>T on the plus strand (G>A on the coding strand, the complement: KDM5C is on the minus strand). VCF-style: chrX-53192771-C-T. GRCh37 (hg19) VCF-style: chrX-53221953-C-T.
Other names: c.4113G>A, p.Pro1371= (NM_001146702.2); c.*196G>A (NM_001282622.3, NM_001353978.3); c.4305+666G>A (NM_001353982.2); c.4314+666G>A (NM_001353979.2); c.4308+666G>A (NM_001353981.2, NM_001353984.2).
Identifiers: ClinVar variation 4533861 (VCV004533861.6).

ClinVar aggregate classification (germline): Likely benign (1 of 4 stars; one submission).

gnomAD v4.1: 6 of 1,133,622 alleles (0.00053%); highest among the groups gnomAD compares: Admixed American, 0.016%; no homozygotes.

Submission:

CeGaT Center for Human Genetics Tuebingen
Classification: Likely benign. Last evaluated: 2025-11-01. Review status: criteria provided, single submitter. Criteria: CeGaT Center For Human Genetics Tuebingen Variant Classification Criteria Version 2. Collection method: clinical testing. Allele origin: germline. Affected: yes. Observed: 1 variant allele.
Comment: KDM5C: BP4, BP7